The following is an entry in ClinVar:

NM_006073.4(TRDN):c.461C>T (p.Pro154Leu)

Gene: TRDN (triadin; minus strand). Cytogenetic location: 6q22.31.
Variant type: single nucleotide variant.
Coding change: c.461C>T on transcript NM_006073.4 (MANE Select); coding-DNA position 461, C replaced by T.
Protein change: p.Pro154Leu; replaces proline 154 with leucine.
Molecular consequence: missense variant.
Genome position (GRCh38, 1-based): chr6:123,530,529, G>A on the plus strand (C>T on the coding strand, the complement: TRDN is on the minus strand). VCF-style: chr6-123530529-G-A. GRCh37 (hg19) VCF-style: chr6-123851674-G-A.
Other names: c.461C>T, p.Pro154Leu (NM_001251987.2, NM_001256020.2, NM_001256021.2 and 2 more transcripts); short protein forms P154L.
Identifiers: ClinVar variation 2447982 (VCV002447982.2), dbSNP rs2534401913, ClinGen allele CA365568440.
Genomic context (GRCh38, chr6:123,530,529, plus strand): 5'-ATCTAAATGAAGAATAAACATAAAATGAAATGTTTACCTTTAGTTTGTATTTTCCTTTCA[G>A]GTTTCTCTTGTTTTTCAGTCTTATCTTTGTGTATTTCTAAGAAAAAATAGAATTTATAAT-3'
Protein context (NP_006064.2, residues 144-164): HKDKTEKQEK[Pro154Leu]ERKIQTKVTH

ClinVar aggregate classification (germline): Uncertain significance (1 of 4 stars; one submission).

Conditions:
Cardiovascular phenotype. Identifiers: MedGen CN230736.

Submission:

Ambry Genetics
Classification: Uncertain significance for Cardiovascular phenotype. Last evaluated: 2023-03-05. Review status: criteria provided, single submitter. Criteria: Ambry Variant Classification Scheme 2023. Collection method: clinical testing. Allele origin: germline.
Comment: The p.P154L variant (also known as c.461C>T), located in coding exon 5 of the TRDN gene, results from a C to T substitution at nucleotide position 461. The proline at codon 154 is replaced by leucine, an amino acid with similar properties. This amino acid position is conserved. In addition, this alteration is predicted to be tolerated by in silico analysis. Since supporting evidence is limited at this time, the clinical significance of this alteration remains unclear.